The following is an entry in ClinVar:

NM_004519.4(KCNQ3):c.1215C>T (p.Val405=)

Gene: KCNQ3 (potassium voltage-gated channel subfamily Q member 3; minus strand). Cytogenetic location: 8q24.22.
Variant type: single nucleotide variant.
Coding change: c.1215C>T on transcript NM_004519.4 (MANE Select); coding-DNA position 1215, C replaced by T.
Protein change: p.Val405=; no amino-acid change (valine 405 retained).
Molecular consequence: synonymous variant.
Genome position (GRCh38, 1-based): chr8:132,170,354, G>A on the plus strand (C>T on the coding strand, the complement: KCNQ3 is on the minus strand). VCF-style: chr8-132170354-G-A. GRCh37 (hg19) VCF-style: chr8-133182601-G-A.
Other names: c.855C>T, p.Val285= (NM_001204824.2).
Identifiers: ClinVar variation 538562 (VCV000538562.33), dbSNP rs370250223, ClinGen allele CA4880757.
Genomic context (GRCh38, chr8:132,170,354, plus strand): 5'-GCTGGTCACGCCCTGAGCATTCAGGTGAGTCCCCACTTGCCTGAAGAAAGGAAAAGAGAC[G>A]ACTGATTCATAAAATCTCCATGTCGCCACCAGGTCAATCCTGTTGGGGTTGGTAGCATAA-3'
Protein context (NP_004510.1, residues 395-415): LVATWRFYES[Val405=]VSFPFFRKEQ

ClinVar aggregate classification (germline): Benign/Likely benign. Review status: criteria provided, multiple submitters, no conflicts (2 of 4 stars). 3 submissions from 3 submitters: Benign (2); Likely benign (1). Last evaluated 2026-01-28.

Conditions:
Benign neonatal seizures. Also called: Benign familial neonatal seizures; Convulsions benign familial neonatal dominant form; Autosomal dominant form of benign neonatal seizures; Benign neonatal familial convulsions; Benign familial neonatal epilepsy. Identifiers: Orphanet 1949, MedGen C0220669, MONDO:0016027.

Allele frequency attached by ClinVar (database versions not stated): ESP Exome Variant Server 0.00008; gnomAD 0.00009 and 0.00010; TOPMed 0.00009; gnomAD exomes 0.00012; ExAC 0.00013.
gnomAD v4.1: 209 of 1,613,534 alleles (0.013%); highest among the groups gnomAD compares: South Asian, 0.015%; 1 homozygote.

Submissions (3):

Labcorp Genetics (formerly Invitae), Labcorp
Classification: Likely benign for Benign neonatal seizures. Last evaluated: 2026-01-28. Review status: criteria provided, single submitter. Criteria: Invitae Variant Classification Sherloc (09022015). Collection method: clinical testing. Allele origin: germline.

CeGaT Center for Human Genetics Tuebingen
Classification: Benign. Last evaluated: 2024-03-01. Review status: criteria provided, single submitter. Criteria: CeGaT Center For Human Genetics Tuebingen Variant Classification Criteria Version 2. Collection method: clinical testing. Allele origin: germline. Affected: yes. Observed: 1 variant allele.
Comment: KCNQ3: BS1, BS2

GeneDx
Classification: Benign. Last evaluated: 2015-03-03. Review status: criteria provided, single submitter. Criteria: GeneDx Variant Classification Process June 2021. Collection method: clinical testing. Allele origin: germline. Affected: yes.